The following is an entry in ClinVar:

ClinVar aggregate classification (germline): Benign/Likely benign. Review status: criteria provided, multiple submitters, no conflicts (2 of 4 stars). 4 submissions from 4 submitters: Benign (2); Likely benign (1). 1 of the submissions does not count toward it. Last evaluated 2025-06-20.

Conditions:
BTK-related disorder. Also called: BTK-related condition.

Allele frequency attached by ClinVar (database versions not stated): 1000 Genomes Project 0.00874; gnomAD 0.01843 and 0.01909; 1000 Genomes Project 30x 0.00957; TOPMed 0.01824.
gnomAD v4.1: 10,919 of 513,722 alleles (2.1%); highest among the groups gnomAD compares: Non-Finnish European, 2.9%; 85 homozygotes.

Submissions (4):

ARUP Laboratories, Molecular Genetics and Genomics, ARUP Laboratories
Classification: Benign. Last evaluated: 2025-06-20. Review status: criteria provided, single submitter. Criteria: ARUP Molecular Germline Variant Investigation Process 2024. Collection method: clinical testing. Allele origin: germline.

Blueprint Genetics
Classification: Likely benign. Last evaluated: 2024-11-28. Review status: criteria provided, single submitter. Criteria: ACMG Guidelines, 2015. Collection method: clinical testing. Allele origin: germline.

Breakthrough Genomics
Classification: Benign. Review status: criteria provided, single submitter. Criteria: ACMG Guidelines, 2015. Collection method: not provided. Allele origin: germline. Inheritance: X-linked inheritance. Affected: yes.

PreventionGenetics, part of Exact Sciences
Classification: Benign for BTK-related condition. Last evaluated: 2019-03-18. Review status: no assertion criteria provided. Collection method: clinical testing. Allele origin: germline. Not counted in ClinVar's aggregate classification.
Comment: This variant is classified as benign based on ACMG/AMP sequence variant interpretation guidelines (Richards et al. 2015 PMID: 25741868, with internal and published modifications).

NM_001287344.2(BTK):c.63C>T (p.Ser21=)

Genes: BTK (Bruton tyrosine kinase; minus strand), LOC130068496 (ATAC-STARR-seq lymphoblastoid active region 29810; plus strand). Cytogenetic location: Xq22.1.
Variant type: single nucleotide variant.
Coding change: c.63C>T on transcript NM_001287344.2; coding-DNA position 63, C replaced by T.
Protein change: p.Ser21=; no amino-acid change (serine 21 retained).
Molecular consequence: synonymous variant.
Genome position (GRCh38, 1-based): chrX:101,390,487, G>A on the plus strand (C>T on the coding strand, the complement: BTK is on the minus strand). VCF-style: chrX-101390487-G-A. GRCh37 (hg19) VCF-style: chrX-100645475-G-A.
Identifiers: ClinVar variation 811670 (VCV000811670.15), dbSNP rs141862637, ClinGen allele CA10473258.